The following is an entry in ClinVar:

NM_014141.6(CNTNAP2):c.412G>A (p.Gly138Arg)

Gene: CNTNAP2 (contactin associated protein 2; plus strand). Cytogenetic location: 7q35.
Variant type: single nucleotide variant.
Coding change: c.412G>A on transcript NM_014141.6 (MANE Select); coding-DNA position 412, G replaced by A.
Protein change: p.Gly138Arg; replaces glycine 138 with arginine.
Molecular consequence: missense variant.
Genome position (GRCh38, 1-based): chr7:147,043,916, G>A. VCF-style: chr7-147043916-G-A. GRCh37 (hg19) VCF-style: chr7-146741008-G-A.
Other names: short protein forms G138R.
Identifiers: ClinVar variation 1488787 (VCV001488787.6), dbSNP rs1241987279, ClinGen allele CA369923403.

ClinVar aggregate classification (germline): Uncertain significance (1 of 4 stars; one submission).

Conditions:
Cortical dysplasia-focal epilepsy syndrome (PTHSL1). Also called: Pitt-Hopkins-like syndrome 1. Identifiers: Orphanet 163681, Orphanet 221150, MedGen C2750246, MONDO:0012400, OMIM 610042.

Allele frequency attached by ClinVar (database versions not stated): gnomAD exomes 0.00001.
gnomAD v4.1: 8 of 1,614,038 alleles (0.0005%); highest among the groups gnomAD compares: Admixed American, 0.005%; no homozygotes.

Submission:

Labcorp Genetics (formerly Invitae), Labcorp
Classification: Uncertain significance for Cortical dysplasia-focal epilepsy syndrome. Last evaluated: 2021-03-31. Review status: criteria provided, single submitter. Criteria: Invitae Variant Classification Sherloc (09022015). Collection method: clinical testing. Allele origin: germline.
Comment: This variant is not present in population databases (ExAC no frequency). This sequence change replaces glycine with arginine at codon 138 of the CNTNAP2 protein (p.Gly138Arg). The glycine residue is weakly conserved and there is a moderate physicochemical difference between glycine and arginine. This variant has not been reported in the literature in individuals with CNTNAP2-related conditions. In summary, the available evidence is currently insufficient to determine the role of this variant in disease. Therefore, it has been classified as a Variant of Uncertain Significance. Algorithms developed to predict the effect of sequence changes on RNA splicing suggest that this variant may create or strengthen a splice site, but this prediction has not been confirmed by published transcriptional studies. Algorithms developed to predict the effect of missense changes on protein structure and function are either unavailable or do not agree on the potential impact of this missense change (SIFT: "Deleterious"; PolyPhen-2: "Probably Damaging"; Align-GVGD: "Class C0").